The following is an entry in ClinVar:

ClinVar aggregate classification (germline): Uncertain significance (1 of 4 stars; one submission).

Conditions:
Congenital hypothyroidism. Identifiers: Orphanet 442, MedGen C0010308, MONDO:0018612, HP:0000851.

gnomAD v4.1: 2 of 1,614,192 alleles (0.00012%); highest among the groups gnomAD compares: Non-Finnish European, 0.00017%; no homozygotes.

Submission:

Cambridge Genomics Laboratory, East Genomic Laboratory Hub, NHS Genomic Medicine Service
Classification: Uncertain significance for Congenital hypothyroidism. Last evaluated: 2024-09-23. Review status: criteria provided, single submitter. Criteria: ACGS Best Practice Guidelines for Variant Classification in Rare Disease 2020. Collection method: clinical testing. Allele origin: germline. Affected: yes.
Comment: PM2

NM_003235.5(TG):c.5231G>T (p.Gly1744Val)

Gene: TG (thyroglobulin; plus strand). Cytogenetic location: 8q24.22.
Variant type: single nucleotide variant.
Coding change: c.5231G>T on transcript NM_003235.5 (MANE Select); coding-DNA position 5231, G replaced by T.
Protein change: p.Gly1744Val; replaces glycine 1744 with valine.
Molecular consequence: missense variant.
Genome position (GRCh38, 1-based): chr8:132,941,540, G>T. VCF-style: chr8-132941540-G-T. GRCh37 (hg19) VCF-style: chr8-133953785-G-T.
Other names: short protein forms G1744V.
Identifiers: ClinVar variation 4682103 (VCV004682103.1).
Genomic context (GRCh38, chr8:132,941,540, plus strand): 5'-GTCTTCTTGCATGCGACCGTGATCTGTGTTGCGATGGCTTCGTCCTCACACAGGTTCAAG[G>T]AGGTAATGTTGGCAGTGAGGGCCAGGGCCTAACAAGGGATGGGGAGCACACAGGGATGCA-3'
Protein context (NP_003226.4, residues 1734-1754): CDGFVLTQVQ[Gly1744Val]GAIICGLLSS